The following is an entry in ClinVar:

ClinVar aggregate classification (germline): Uncertain significance (1 of 4 stars; one submission).

Submission:

Labcorp Genetics (formerly Invitae), Labcorp
Classification: Uncertain significance. Last evaluated: 2023-05-16. Review status: criteria provided, single submitter. Criteria: Invitae Variant Classification Sherloc (09022015). Collection method: clinical testing. Allele origin: germline.
Comment: In summary, the available evidence is currently insufficient to determine the role of this variant in disease. Therefore, it has been classified as a Variant of Uncertain Significance. Algorithms developed to predict the effect of missense changes on protein structure and function output the following: SIFT: "Not Available"; PolyPhen-2: "Benign"; Align-GVGD: "Not Available". The glutamine amino acid residue is found in multiple mammalian species, which suggests that this missense change does not adversely affect protein function. This variant has not been reported in the literature in individuals affected with ASRGL1-related conditions. This variant is not present in population databases (gnomAD no frequency). This sequence change replaces histidine, which is basic and polar, with glutamine, which is neutral and polar, at codon 294 of the ASRGL1 protein (p.His294Gln).

NM_001083926.2(ASRGL1):c.882C>G (p.His294Gln)

Gene: ASRGL1 (asparaginase and isoaspartyl peptidase 1; plus strand). Cytogenetic location: 11q12.3.
Variant type: single nucleotide variant.
Coding change: c.882C>G on transcript NM_001083926.2 (MANE Select); coding-DNA position 882, C replaced by G.
Protein change: p.His294Gln; replaces histidine 294 with glutamine.
Molecular consequence: missense variant.
Genome position (GRCh38, 1-based): chr11:62,392,239, C>G. VCF-style: chr11-62392239-C-G. GRCh37 (hg19) VCF-style: chr11-62159711-C-G.
Other names: c.882C>G, p.His294Gln (NM_025080.4); short protein forms H294Q.
Identifiers: ClinVar variation 2864922 (VCV002864922.3), dbSNP rs2495341376, ClinGen allele CA380871881.